The following is an entry in ClinVar:

ClinVar aggregate classification (germline): Likely benign. Review status: criteria provided, multiple submitters, no conflicts (2 of 4 stars). 2 submissions from 2 submitters: Likely benign (2). Last evaluated 2025-05-07.

Conditions:
Hereditary nonpolyposis colorectal neoplasms. Identifiers: MedGen C0009405, MeSH D003123.
Lynch syndrome 5 (LYNCH5). Also called: Colorectal cancer, hereditary nonpolyposis, type 5; Hereditary non-polyposis colorectal cancer, type 5. Identifiers: Orphanet 144, MedGen C1833477, MONDO:0013710, OMIM 614350. Disease mechanism: loss of function.

Allele frequency attached by ClinVar (database versions not stated): gnomAD 0.00001.

Submissions (2):

Labcorp Genetics (formerly Invitae), Labcorp
Classification: Likely benign for Hereditary nonpolyposis colorectal neoplasms. Last evaluated: 2025-05-07. Review status: criteria provided, single submitter. Criteria: Invitae Variant Classification Sherloc (09022015). Collection method: clinical testing. Allele origin: germline.

Myriad Genetics, Inc.
Classification: Likely benign for Lynch syndrome 5. Last evaluated: 2025-01-07. Review status: criteria provided, single submitter. Criteria: Myriad Autosomal Dominant, Autosomal Recessive and X-Linked Classification Criteria (2023). Collection method: clinical testing. Allele origin: unknown.
Comment: This variant is considered likely benign. This variant is intronic and is not expected to impact mRNA splicing.

NM_000179.3(MSH6):c.3647-19G>A

Gene: MSH6 (mutS homolog 6; plus strand). Cytogenetic location: 2p16.3.
Variant type: single nucleotide variant.
Coding change: c.3647-19G>A on transcript NM_000179.3 (MANE Select); 19 bases into the intron before coding-DNA position 3647, G replaced by A.
Molecular consequence: intron variant.
Genome position (GRCh38, 1-based): chr2:47,806,185, G>A. VCF-style: chr2-47806185-G-A. GRCh37 (hg19) VCF-style: chr2-48033324-G-A.
Other names: c.2741-19G>A (NM_001281493.2, NM_001281494.2); c.3257-19G>A (NM_001281492.2).
Identifiers: ClinVar variation 1963381 (VCV001963381.6), dbSNP rs1352124880, ClinGen allele CA769465555.